The following is an entry in ClinVar:

ClinVar aggregate classification (germline): Benign/Likely benign. Review status: criteria provided, multiple submitters, no conflicts (2 of 4 stars). 8 submissions from 8 submitters: Benign (3); Likely benign (4). 1 of the submissions does not count toward it. Last evaluated 2025-12-19.

Conditions:
SLC26A5-related disorder. Also called: SLC26A5-related condition.
Autosomal recessive nonsyndromic hearing loss 61. Identifiers: Orphanet 90636, MedGen C3151230, MONDO:0013471, OMIM 613865.

Allele frequency attached by ClinVar (database versions not stated): 1000 Genomes Project 30x 0.00016; 1000 Genomes Project 0.00020; TOPMed 0.00255; gnomAD 0.00266 and 0.00271; gnomAD exomes 0.00312 and 0.00446; ExAC 0.00326; ESP Exome Variant Server 0.00384.
gnomAD v4.1: 6,839 of 1,614,138 alleles (0.42%); highest among the groups gnomAD compares: Non-Finnish European, 0.52%; 29 homozygotes.

Submissions (8):

Labcorp Genetics (formerly Invitae), Labcorp
Classification: Likely benign. Last evaluated: 2025-12-19. Review status: criteria provided, single submitter. Criteria: Invitae Variant Classification Sherloc (09022015). Collection method: clinical testing. Allele origin: germline.

CeGaT Center for Human Genetics Tuebingen
Classification: Likely benign. Last evaluated: 2025-01-01. Review status: criteria provided, single submitter. Criteria: CeGaT Center For Human Genetics Tuebingen Variant Classification Criteria Version 2. Collection method: clinical testing. Allele origin: germline. Affected: yes. Observed: 2 variant alleles.
Comment: SLC26A5: BS2

ARUP Laboratories, Molecular Genetics and Genomics, ARUP Laboratories
Classification: Benign for Autosomal recessive nonsyndromic hearing loss 61. Last evaluated: 2023-09-25. Review status: criteria provided, single submitter. Criteria: ARUP Molecular Germline Variant Investigation Process 2024. Collection method: clinical testing. Allele origin: germline.

GeneDx
Classification: Benign. Last evaluated: 2019-05-14. Review status: criteria provided, single submitter. Criteria: GeneDx Variant Classification Process June 2021. Collection method: clinical testing. Allele origin: germline. Affected: yes.

Eurofins Ntd Llc (ga)
Classification: Likely benign. Last evaluated: 2017-02-22. Review status: criteria provided, single submitter. Criteria: EGL Classification Definitions 2015. Collection method: clinical testing. Allele origin: germline. Observed: 1 variant allele, 1 heterozygote.

Laboratory for Molecular Medicine, Mass General Brigham Personalized Medicine
Classification: Benign. Last evaluated: 2012-04-30. Review status: criteria provided, single submitter. Criteria: LMM Criteria. Collection method: clinical testing. Allele origin: germline. Observed: 3 variant alleles.
Comment: Leu46Pro in Exon 03 of SLC26A5: This variant is not expected to have clinical si gnificance because it has been identified in 0.5% (34/7020) of European American chromosomes from a broad population by the NHLBI Exome Sequencing Project (dbSNP rs141952919).

Breakthrough Genomics
Classification: Likely benign. Review status: criteria provided, single submitter. Criteria: ACMG Guidelines, 2015. Collection method: not provided. Allele origin: germline. Inheritance: Autosomal recessive inheritance. Affected: yes.

PreventionGenetics, part of Exact Sciences
Classification: Likely benign for SLC26A5-related condition. Last evaluated: 2021-09-17. Review status: no assertion criteria provided. Collection method: clinical testing. Allele origin: germline. Not counted in ClinVar's aggregate classification.
Comment: This variant is classified as likely benign based on ACMG/AMP sequence variant interpretation guidelines (Richards et al. 2015 PMID: 25741868, with internal and published modifications).

NM_198999.3(SLC26A5):c.137T>C (p.Leu46Pro)

Gene: SLC26A5 (solute carrier family 26 member 5; minus strand). Cytogenetic location: 7q22.1.
Variant type: single nucleotide variant.
Coding change: c.137T>C on transcript NM_198999.3 (MANE Select); coding-DNA position 137, T replaced by C.
Protein change: p.Leu46Pro; replaces leucine 46 with proline.
Molecular consequence: missense variant. On other transcripts: non-coding transcript variant (5).
Genome position (GRCh38, 1-based): chr7:103,421,378, A>G on the plus strand (T>C on the coding strand, the complement: SLC26A5 is on the minus strand). VCF-style: chr7-103421378-A-G. GRCh37 (hg19) VCF-style: chr7-103061825-A-G.
Other names: c.137T>C, p.Leu46Pro (NM_001167962.2, NM_001321787.2, NM_206883.3 and 2 more transcripts); short protein forms L46P.
Identifiers: ClinVar variation 165272 (VCV000165272.57), dbSNP rs141952919, ClinGen allele CA178007.